The following is an entry in ClinVar:

ClinVar aggregate classification (germline): Conflicting classifications of pathogenicity. Review status: criteria provided, conflicting classifications (1 of 4 stars). 2 submissions from 2 submitters: Likely pathogenic (1); Uncertain significance (1). Last evaluated 2025-08-07.

Conditions:
Snijders Blok-Campeau syndrome. Also called: INTELLECTUAL DEVELOPMENTAL DISORDER WITH MACROCEPHALY, SPEECH DELAY, AND DYSMORPHIC FACIES. Identifiers: Orphanet 599082, MedGen C4748701, MONDO:0032600, OMIM 618205.

gnomAD v4.1: 6 of 1,614,150 alleles (0.00037%); highest among the groups gnomAD compares: African/African-American, 0.0027%; no homozygotes.

Submissions (2):

GeneDx
Classification: Uncertain significance. Last evaluated: 2025-08-07. Review status: criteria provided, single submitter. Criteria: GeneDx Variant Classification Process June 2021. Collection method: clinical testing. Allele origin: germline. Affected: yes.
Comment: Not observed at significant frequency in large population cohorts (gnomAD); In silico analysis supports that this missense variant has a deleterious effect on protein structure/function; Has not been previously published as pathogenic or benign to our knowledge

Pittsburgh Clinical Genomics Laboratory, University of Pittsburgh Medical Center
Classification: Likely pathogenic for Snijders Blok-Campeau syndrome. Last evaluated: 2022-03-22. Review status: criteria provided, single submitter. Criteria: ACMG Guidelines, 2015. Collection method: clinical testing. Allele origin: germline. Inheritance: Autosomal dominant inheritance. Affected: yes.
Comment: This sequence variant is a single nucleotide substitution (C>T) at position 4268 of the CHD3 gene that results in a serine to leucine amino acid change at residue 1423 of the CHD3 protein. This is a de novo variant that has not been previously reported to databases of clinically annotated variants or observed in the literature in individuals with CHD3-related disease, to our knowledge. This variant is rare in control population datasets (gnomAD database 1 of 251488 alleles or 0.0004%). Bioinformatic tools predict that this variant would be damaging, and the Ser1423 amino acid is highly conserved across the vertebrate species examined. Functiol studies examining the effect of this variant on protein structure or activity have not been performed, to our knowledge. Given the evidence and that de novo, missense variants are a known mechanism of disease (PMID: 30397230), we consider this variant to be likely pathogenic. ACMG Criteria: PM2, PP2, PP3, PS2

Literature cited by the submitters: PubMed 30397230 (cited by Pittsburgh Clinical Genomics Laboratory, University of Pittsburgh Medical Center).

NM_001005273.3(CHD3):c.4091C>T (p.Ser1364Leu)

Gene: CHD3 (chromodomain helicase DNA binding protein 3; plus strand). Cytogenetic location: 17p13.1.
Variant type: single nucleotide variant.
Coding change: c.4091C>T on transcript NM_001005273.3 (MANE Select); coding-DNA position 4091, C replaced by T.
Protein change: p.Ser1364Leu; replaces serine 1364 with leucine.
Molecular consequence: missense variant.
Genome position (GRCh38, 1-based): chr17:7,905,118, C>T. VCF-style: chr17-7905118-C-T. GRCh37 (hg19) VCF-style: chr17-7808436-C-T.
Other names: c.4268C>T (NM_001005271.2); c.4268C>T, p.Ser1423Leu (NM_001005271.3); c.4091C>T, p.Ser1364Leu (NM_005852.4); short protein forms S1364L, S1423L.
Identifiers: ClinVar variation 3376278 (VCV003376278.2).